The following is an entry in ClinVar:

NM_173076.3(ABCA12):c.2864-2A>T

Gene: ABCA12 (ATP binding cassette subfamily A member 12; minus strand). Cytogenetic location: 2q35.
Variant type: single nucleotide variant.
Coding change: c.2864-2A>T on transcript NM_173076.3 (MANE Select); the canonical splice acceptor site of the intron before coding-DNA position 2864, A replaced by T.
Molecular consequence: splice acceptor variant.
Genome position (GRCh38, 1-based): chr2:215,001,022, T>A on the plus strand (A>T on the coding strand, the complement: ABCA12 is on the minus strand). VCF-style: chr2-215001022-T-A. GRCh37 (hg19) VCF-style: chr2-215865746-T-A.
Other names: c.1910-2A>T (NM_015657.4).
Identifiers: ClinVar variation 4850667 (VCV004850667.1).

ClinVar aggregate classification (germline): Pathogenic (1 of 4 stars; one submission).

Conditions:
Autosomal recessive congenital ichthyosis 4A (LI2). Also called: ICHTHYOSIS CONGENITA IIB. Identifiers: Orphanet 313, MedGen C1832550, MONDO:0011026, OMIM 601277.
Autosomal recessive congenital ichthyosis 4B (ARCI4B). Also called: Ichthyosis, congenital, autosomal recessive 4B (harlequin); HARLEQUIN ICHTHYOSIS; Harlequin Fetus; ICHTHYOSIS CONGENITA, HARLEQUIN FETUS TYPE. Identifiers: Orphanet 457, MedGen C0598226, MONDO:0009443, OMIM 242500.

Submission:

First Genomix Gene Laboratory, Genetic Diagnostics Department
Classification: Pathogenic for Autosomal recessive congenital ichthyosis 4A; Autosomal recessive congenital ichthyosis 4B. Last evaluated: 2025-08-04. Review status: criteria provided, single submitter. Criteria: ACMG Guidelines, 2015. Collection method: clinical testing. Allele origin: germline. Inheritance: Autosomal recessive inheritance. Affected: no. Observed: 1 variant allele.